The following is an entry in ClinVar:

NM_198578.4(LRRK2):c.7267A>G (p.Thr2423Ala)

Gene: LRRK2 (leucine rich repeat kinase 2; plus strand). Cytogenetic location: 12q12.
Variant type: single nucleotide variant.
Coding change: c.7267A>G on transcript NM_198578.4 (MANE Select); coding-DNA position 7267, A replaced by G.
Protein change: p.Thr2423Ala; replaces threonine 2423 with alanine.
Molecular consequence: missense variant.
Genome position (GRCh38, 1-based): chr12:40,364,927, A>G. VCF-style: chr12-40364927-A-G. GRCh37 (hg19) VCF-style: chr12-40758729-A-G.
Other names: short protein forms T2423A.
Identifiers: ClinVar variation 1757983 (VCV001757983.2), dbSNP rs1060499538, ClinGen allele CA384414904.

ClinVar aggregate classification (germline): Uncertain significance (1 of 4 stars; one submission).

Conditions:
Inborn genetic diseases. Identifiers: MedGen C0950123, MeSH D030342.

Allele frequency attached by ClinVar (database versions not stated): TOPMed below 0.00001.
gnomAD v4.1: 7 of 1,612,638 alleles (0.00043%); highest among the groups gnomAD compares: Non-Finnish European, 0.00059%; no homozygotes.

Submission:

Ambry Genetics
Classification: Uncertain significance for Inborn genetic diseases. Last evaluated: 2023-12-04. Review status: criteria provided, single submitter. Criteria: Ambry Variant Classification Scheme 2023. Collection method: clinical testing. Allele origin: germline.
Comment: The p.T2423A variant (also known as c.7267A>G), located in coding exon 49 of the LRRK2 gene, results from an A to G substitution at nucleotide position 7267. The threonine at codon 2423 is replaced by alanine, an amino acid with similar properties. This amino acid position is conserved. In addition, the in silico prediction for this alteration is inconclusive. Since supporting evidence is limited at this time, the clinical significance of this alteration remains unclear.